The following is an entry in ClinVar:

ClinVar aggregate classification (germline): Uncertain significance (1 of 4 stars; one submission).

Conditions:
Bardet-Biedl syndrome 16 (BBS16). Identifiers: Orphanet 110, MedGen C3889474, MONDO:0014444, OMIM 615993.
Senior-Loken syndrome 7 (SLSN7). Identifiers: Orphanet 3156, MedGen C3150877, MONDO:0013326, OMIM 613615.

gnomAD v4.1: 10 of 1,613,908 alleles (0.00062%); highest among the groups gnomAD compares: Non-Finnish European, 0.00085%; no homozygotes.

Submission:

Labcorp Genetics (formerly Invitae), Labcorp
Classification: Uncertain significance for Bardet-Biedl syndrome 16; Senior-Loken syndrome 7. Last evaluated: 2022-07-04. Review status: criteria provided, single submitter. Criteria: Invitae Variant Classification Sherloc (09022015). Collection method: clinical testing. Allele origin: germline.
Comment: Algorithms developed to predict the effect of missense changes on protein structure and function are either unavailable or do not agree on the potential impact of this missense change (SIFT: "Tolerated"; PolyPhen-2: "Probably Damaging"; Align-GVGD: "Class C0"). This sequence change replaces histidine, which is basic and polar, with arginine, which is basic and polar, at codon 656 of the SDCCAG8 protein (p.His656Arg). This variant is present in population databases (rs761503701, gnomAD 0.0009%). This variant has not been reported in the literature in individuals affected with SDCCAG8-related conditions. In summary, the available evidence is currently insufficient to determine the role of this variant in disease. Therefore, it has been classified as a Variant of Uncertain Significance.

NM_006642.5(SDCCAG8):c.1967A>G (p.His656Arg)

Gene: SDCCAG8 (SHH signaling and ciliogenesis regulator SDCCAG8; plus strand). Cytogenetic location: 1q43.
Variant type: single nucleotide variant.
Coding change: c.1967A>G on transcript NM_006642.5 (MANE Select); coding-DNA position 1967, A replaced by G.
Protein change: p.His656Arg; replaces histidine 656 with arginine.
Molecular consequence: missense variant.
Genome position (GRCh38, 1-based): chr1:243,426,540, A>G. VCF-style: chr1-243426540-A-G. GRCh37 (hg19) VCF-style: chr1-243589842-A-G.
Other names: c.1064A>G, p.His355Arg (NM_001350246.2, NM_001350247.2, NM_001350251.2); c.2063A>G, p.His688Arg (NM_001350248.2); c.1673A>G, p.His558Arg (NM_001350249.2); short protein forms H355R, H558R, H656R, H688R.
Identifiers: ClinVar variation 2014077 (VCV002014077.3), dbSNP rs761503701, ClinGen allele CA1483785.
Genomic context (GRCh38, chr1:243,426,540, plus strand): 5'-GAAAGTTACAGAGAAGAAATGAAGAATTGGAGGAACAGTGTGTCCAGCATGGGAGAGTAC[A>G]TGAGACGATGAAGCAAAGGTAATCAAGGTTTCATGTCAACTCATGTGCCGCATATTGAAT-3'
Protein context (NP_006633.1, residues 646-666): EEQCVQHGRV[His656Arg]ETMKQRLRQL